The following is an entry in ClinVar:

ClinVar aggregate classification (germline): Uncertain significance (1 of 4 stars; one submission).

Conditions:
Early Myoclonic Encephalopathy. Identifiers: MedGen C0270855.

Submission:

Labcorp Genetics (formerly Invitae), Labcorp
Classification: Uncertain significance for Early Myoclonic Encephalopathy. Last evaluated: 2022-12-01. Review status: criteria provided, single submitter. Criteria: Invitae Variant Classification Sherloc (09022015). Collection method: clinical testing. Allele origin: germline.
Comment: This variant has not been reported in the literature in individuals affected with JMJD1C-related conditions. In summary, the available evidence is currently insufficient to determine the role of this variant in disease. Therefore, it has been classified as a Variant of Uncertain Significance. Advanced modeling of protein sequence and biophysical properties (such as structural, functional, and spatial information, amino acid conservation, physicochemical variation, residue mobility, and thermodynamic stability) performed at Invitae indicates that this missense variant is expected to disrupt JMJD1C protein function. This variant is not present in population databases (gnomAD no frequency). This sequence change replaces tryptophan, which is neutral and slightly polar, with cysteine, which is neutral and slightly polar, at codon 883 of the JMJD1C protein (p.Trp883Cys).

NM_032776.3(JMJD1C):c.2649G>T (p.Trp883Cys)

Gene: JMJD1C (jumonji domain containing 1C; minus strand). Cytogenetic location: 10q21.3.
Variant type: single nucleotide variant.
Coding change: c.2649G>T on transcript NM_032776.3 (MANE Select); coding-DNA position 2649, G replaced by T.
Protein change: p.Trp883Cys; replaces tryptophan 883 with cysteine.
Molecular consequence: missense variant. On other transcripts: non-coding transcript variant (1).
Genome position (GRCh38, 1-based): chr10:63,213,518, C>A on the plus strand (G>T on the coding strand, the complement: JMJD1C is on the minus strand). VCF-style: chr10-63213518-C-A. GRCh37 (hg19) VCF-style: chr10-64973278-C-A.
Other names: c.2103G>T, p.Trp701Cys (NM_001282948.2, NM_001318154.2); c.1785G>T, p.Trp595Cys (NM_001318153.2); c.2535G>T, p.Trp845Cys (NM_001322252.2); c.1992G>T, p.Trp664Cys (NM_001322254.2, NM_001322258.2); short protein forms W664C, W845C, W883C, W595C, W701C.
Identifiers: ClinVar variation 2817748 (VCV002817748.3), dbSNP rs2492761668, ClinGen allele CA377044584.